The following is an entry in ClinVar:

NM_014795.4(ZEB2):c.3471C>A (p.Asp1157Glu)

Gene: ZEB2 (zinc finger E-box binding homeobox 2; minus strand). Cytogenetic location: 2q22.3.
Variant type: single nucleotide variant.
Coding change: c.3471C>A on transcript NM_014795.4 (MANE Select); coding-DNA position 3471, C replaced by A.
Protein change: p.Asp1157Glu; replaces aspartic acid 1157 with glutamic acid.
Molecular consequence: missense variant.
Genome position (GRCh38, 1-based): chr2:144,389,625, G>T on the plus strand (C>A on the coding strand, the complement: ZEB2 is on the minus strand). VCF-style: chr2-144389625-G-T. GRCh37 (hg19) VCF-style: chr2-145147192-G-T.
Other names: c.3399C>A, p.Asp1133Glu (NM_001171653.2); short protein forms D1133E, D1157E.
Identifiers: ClinVar variation 3896282 (VCV003896282.2).

ClinVar aggregate classification (germline): Uncertain significance (1 of 4 stars; one submission).

gnomAD v4.1: 1 of 1,613,566 alleles (0.000062%); highest among the groups gnomAD compares: Non-Finnish European, 0.000085%; no homozygotes.

Submission:

Women's Health and Genetics/Laboratory Corporation of America, LabCorp
Classification: Uncertain significance. Last evaluated: 2025-04-14. Review status: criteria provided, single submitter. Criteria: LabCorp Variant Classification Summary - May 2015. Collection method: clinical testing. Allele origin: germline.
Comment: Variant summary: ZEB2 c.3471C>A (p.Asp1157Glu) results in a conservative amino acid change in the encoded protein sequence. Four of five in-silico tools predict a benign effect of the variant on protein function. The variant was absent in 251458 control chromosomes. The available data on variant occurrences in the general population are insufficient to allow any conclusion about variant significance. To our knowledge, no occurrence of c.3471C>A in individuals affected with Mowat-Wilson Syndrome and no experimental evidence demonstrating its impact on protein function have been reported. No submitters have cited clinical-significance assessments for this variant to ClinVar. Based on the evidence outlined above, the variant was classified as uncertain significance.